The following is an entry in ClinVar:

NM_015175.3(NBEAL2):c.3774_3780delinsCAGCGTTCGCCTCAGA (p.Asp1259_Ile1260delinsSerValArgLeuArg)

Gene: NBEAL2 (neurobeachin like 2; plus strand). Cytogenetic location: 3p21.31.
Variant type: Indel.
Coding change: c.3774_3780delinsCAGCGTTCGCCTCAGA on transcript NM_015175.3 (MANE Select); coding-DNA positions 3774 to 3780, AGACATC replaced by CAGCGTTCGCCTCAGA.
Protein change: p.Asp1259_Ile1260delinsSerValArgLeuArg.
Molecular consequence: inframe indel.
Genome position (GRCh38, 1-based): chr3:46,999,700-46,999,706, AGACATC replaced by CAGCGTTCGCCTCAGA. VCF-style: chr3-46999700-AGACATC-CAGCGTTCGCCTCAGA. GRCh37 (hg19) VCF-style: chr3-47041190-AGACATC-CAGCGTTCGCCTCAGA.
Other names: c.3672_3678delinsCAGCGTTCGCCTCAGA, p.Asp1225_Ile1226delinsSerValArgLeuArg (NM_001365116.2).
Identifiers: ClinVar variation 982273 (VCV000982273.1), dbSNP rs2036808727, ClinGen allele CA1139658051.
Genomic context (GRCh38, chr3:46,999,700, plus strand): 5'-CCTCTCAGATCTGCTGGCTGTGGTACAGCTGTCCCTCCAGGCTGACCTCAGCGTTCGCCT[AGACATC>CAGCGTTCGCCTCAGA]TGTCGCCAGGTGAGCATGAGAGGTAAAAGCTTTGGGGGAGGGGGAGGGTGGCTTCTACCC-3'

ClinVar aggregate classification (germline): Uncertain significance (1 of 4 stars; one submission).

Conditions:
Gray platelet syndrome (GPS). Also called: BLEEDING DISORDER, PLATELET-TYPE, 4. Identifiers: Orphanet 721, MedGen C0272302, MONDO:0007686, OMIM 139090.

Submission:

NIHR Bioresource Rare Diseases, University of Cambridge
Classification: Uncertain significance for Gray platelet syndrome. Last evaluated: 2020-03-01. Review status: criteria provided, single submitter. Criteria: ACMG Guidelines, 2015. Collection method: research. Allele origin: unknown. Inheritance: Autosomal recessive inheritance. Affected: yes. Observed: 1 homozygote.
Comment: ACMG criteria: PM2, PM4, PP4

Literature cited by the submitters: PubMed 32693407.